The following is an entry in ClinVar:

ClinVar aggregate classification (germline): Uncertain significance (1 of 4 stars; one submission).

Conditions:
Hereditary cancer-predisposing syndrome. Also called: Neoplastic Syndromes, Hereditary; Tumor predisposition; Hereditary Cancer Syndrome; Hereditary neoplastic syndrome. Identifiers: Orphanet 140162, MedGen C0027672, MeSH D009386, MONDO:0015356.

Submission:

Ambry Genetics
Classification: Uncertain significance for Hereditary cancer-predisposing syndrome. Last evaluated: 2025-09-29. Review status: criteria provided, single submitter. Criteria: Ambry Variant Classification Scheme 2023. Collection method: clinical testing. Allele origin: germline.
Comment: The c.367_369delTCA variant (also known as p.S123del) is located in coding exon 3 of the BRIP1 gene. This variant results from an in-frame TCA deletion at nucleotide positions 367 to 369. This results in the in-frame deletion of a serine at codon 123. This amino acid position is well conserved in available vertebrate species. In addition, the in silico prediction for this variant is inconclusive (Choi Y et al. PLoS ONE. 2012; 7(10):e46688). Based on the available evidence, the clinical significance of this variant remains unclear.

NM_032043.3(BRIP1):c.364TCA[1] (p.Ser123del)

Gene: BRIP1 (BRCA1 interacting DNA helicase 1; minus strand). Cytogenetic location: 17q23.2.
Variant type: Microsatellite.
Coding change: c.364TCA[1] on transcript NM_032043.3 (MANE Select); one copy of the 3-base unit TCA starting at c.364; the reference has two copies in a row; one copy, 3 bases deleted.
Protein change: p.Ser123del; deletes serine 123.
Molecular consequence: inframe deletion. On other transcripts: inframe indel (2).
Genome position (GRCh38, 1-based): chr17:61,857,068-61,857,070, TGA deleted on the plus strand (TCA on the coding strand, the reverse complement: BRIP1 is on the minus strand); deleting any 3 consecutive bases within chr17:61,857,068-61,857,073 gives the same sequence; the position shown is the placement nearest the transcript's 3' end. VCF-style (leftmost placement, unchanged base first): chr17-61857067-TTGA-T. GRCh37 (hg19) VCF-style: chr17-59934428-TTGA-T.
Other names: c.367_369delTCA (NM_032043.2); c.364_366TCA[1], p.Ser123del (NM_032043.2); short protein forms S123del.
Identifiers: ClinVar variation 4630809 (VCV004630809.1).